The following is an entry in ClinVar:

NM_001384732.1(CPLANE1):c.6731G>A (p.Gly2244Glu)

Gene: CPLANE1 (ciliogenesis and planar polarity effector complex subunit 1; minus strand). Cytogenetic location: 5p13.2.
Variant type: single nucleotide variant.
Coding change: c.6731G>A on transcript NM_001384732.1 (MANE Select); coding-DNA position 6731, G replaced by A.
Protein change: p.Gly2244Glu; replaces glycine 2244 with glutamic acid.
Molecular consequence: missense variant.
Genome position (GRCh38, 1-based): chr5:37,169,293, C>T on the plus strand (G>A on the coding strand, the complement: CPLANE1 is on the minus strand). VCF-style: chr5-37169293-C-T. GRCh37 (hg19) VCF-style: chr5-37169395-C-T.
Other names: c.6731G>A (NM_023073.3); c.6731G>A, p.Gly2244Glu (NM_023073.4); short protein forms G2244E.
Identifiers: ClinVar variation 1008513 (VCV001008513.9), dbSNP rs370156540, ClinGen allele CA3238195.

ClinVar aggregate classification (germline): Uncertain significance. Review status: criteria provided, multiple submitters, no conflicts (2 of 4 stars). 2 submissions from 2 submitters: Uncertain significance (2). Last evaluated 2024-06-11.

Allele frequency attached by ClinVar (database versions not stated): gnomAD exomes below 0.00001; TOPMed below 0.00001; ExAC 0.00001; gnomAD 0.00001; ESP Exome Variant Server 0.00008.
gnomAD v4.1: 2 of 1,613,996 alleles (0.00012%); highest among the groups gnomAD compares: African/African-American, 0.0027%; no homozygotes.

Submissions (2):

GeneDx
Classification: Uncertain significance. Last evaluated: 2024-06-11. Review status: criteria provided, single submitter. Criteria: GeneDx Variant Classification Process June 2021. Collection method: clinical testing. Allele origin: germline. Affected: yes.
Comment: Not observed at significant frequency in large population cohorts (gnomAD); In silico analysis indicates that this missense variant does not alter protein structure/function; Has not been previously published as pathogenic or benign to our knowledge

Labcorp Genetics (formerly Invitae), Labcorp
Classification: Uncertain significance. Last evaluated: 2022-02-02. Review status: criteria provided, single submitter. Criteria: Invitae Variant Classification Sherloc (09022015). Collection method: clinical testing. Allele origin: germline.
Comment: In summary, the available evidence is currently insufficient to determine the role of this variant in disease. Therefore, it has been classified as a Variant of Uncertain Significance. Advanced modeling of protein sequence and biophysical properties (such as structural, functional, and spatial information, amino acid conservation, physicochemical variation, residue mobility, and thermodynamic stability) performed at Invitae indicates that this missense variant is not expected to disrupt CPLANE1 protein function. ClinVar contains an entry for this variant (Variation ID: 1008513). This variant has not been reported in the literature in individuals affected with CPLANE1-related conditions. This variant is present in population databases (rs370156540, gnomAD 0.007%). This sequence change replaces glycine, which is neutral and non-polar, with glutamic acid, which is acidic and polar, at codon 2244 of the CPLANE1 protein (p.Gly2244Glu).